The following is an entry in ClinVar:

ClinVar aggregate classification (somatic clinical impact): Tier II - Potential (1 of 4 stars; one submission).

Conditions:
Parasympathetic paraganglioma. Identifiers: MedGen C0334416, MONDO:0021052.

Submission:

Institute for Genomic Medicine (IGM) Clinical Laboratory, Nationwide Children's Hospital
Classification: Tier II - Potential for Parasympathetic paraganglioma. Assertion type: diagnostic. Clinical significance: supports diagnosis. Last evaluated: 2025-10-06. Review status: criteria provided, single submitter. Criteria: AMP/ASCO/CAP Guidelines, 2017. Collection method: clinical testing. Allele origin: somatic. Affected: yes.
Comment: Variant has Tier II (potential) clinical significance as a diagnostic inclusion criterion in parasympathetic paraganglioma, based on the following evidence: 1) Documented in one or more cancer databases (e.g., St. Jude Pecan, COSMIC, CIViC, OncoKB). 2) Information in the literature supports potential biologic effect of variant (PMID: 21390130). 3) Assists in diagnosis alone or along with other biomarkers based on small studies or few case reports (Evidence Level D; PMIDs: 25186949, 21390130, 21390126, 22388726, 25961940, 28726821, 30181244, 21822268, 26168399, 24710217).

Literature cited by the submitters: PubMed 21390130; PubMed 25186949; PubMed 21390126; PubMed 22388726; PubMed 25961940; PubMed 28726821; PubMed 30181244; PubMed 21822268; PubMed 26168399; PubMed 24710217.

NM_004380.3(CREBBP):c.2283+2T>G

Gene: CREBBP (CREB binding lysine acetyltransferase; minus strand). Cytogenetic location: 16p13.3.
Variant type: single nucleotide variant.
Coding change: c.2283+2T>G on transcript NM_004380.3 (MANE Select); the canonical splice donor site of the intron after coding-DNA position 2283, T replaced by G.
Molecular consequence: splice donor variant.
Genome position (GRCh38, 1-based): chr16:3,774,567, A>C on the plus strand (T>G on the coding strand, the complement: CREBBP is on the minus strand). VCF-style: chr16-3774567-A-C. GRCh37 (hg19) VCF-style: chr16-3824568-A-C.
Other names: c.2169+2T>G (NM_001079846.1).
Identifiers: ClinVar variation 4530119 (VCV004530119.1).